The following is an entry in ClinVar:

ClinVar aggregate classification (germline): Uncertain significance. Review status: criteria provided, multiple submitters, no conflicts (2 of 4 stars). 5 submissions from 5 submitters: Uncertain significance (5). Last evaluated 2026-03-07.

Conditions:
TRPM1-related disorder. Also called: TRPM1-related condition.

Allele frequency attached by ClinVar (database versions not stated): gnomAD 0.00001; gnomAD exomes 0.00002; TOPMed 0.00004.
gnomAD v4.1: 28 of 1,614,186 alleles (0.0017%); highest among the groups gnomAD compares: Admixed American, 0.028%; no homozygotes.

Submissions (5):

PreventionGenetics, part of Exact Sciences
Classification: Uncertain significance for TRPM1-related condition. Last evaluated: 2026-03-07. Review status: criteria provided, single submitter. Criteria: ACMG Guidelines, 2015. Collection method: clinical testing. Allele origin: germline.
Comment: The TRPM1 c.637G>A variant is predicted to result in the amino acid substitution p.Val213Met. To our knowledge, this variant has not been reported in the literature. This variant is reported in 0.040% of alleles in individuals of Latino descent in gnomAD. At this time, the clinical significance of this variant is uncertain due to the absence of conclusive functional and genetic evidence.

GeneDx
Classification: Uncertain significance. Last evaluated: 2024-03-27. Review status: criteria provided, single submitter. Criteria: GeneDx Variant Classification Process June 2021. Collection method: clinical testing. Allele origin: germline. Affected: yes.
Comment: In silico analysis supports that this missense variant does not alter protein structure/function; Has not been previously published as pathogenic or benign to our knowledge

Labcorp Genetics (formerly Invitae), Labcorp
Classification: Uncertain significance. Last evaluated: 2023-08-30. Review status: criteria provided, single submitter. Criteria: Invitae Variant Classification Sherloc (09022015). Collection method: clinical testing. Allele origin: germline.
Comment: ClinVar contains an entry for this variant (Variation ID: 1056305). This sequence change replaces valine, which is neutral and non-polar, with methionine, which is neutral and non-polar, at codon 174 of the TRPM1 protein (p.Val174Met). This variant is present in population databases (rs534221059, gnomAD 0.04%). This variant has not been reported in the literature in individuals affected with TRPM1-related conditions. Advanced modeling of protein sequence and biophysical properties (such as structural, functional, and spatial information, amino acid conservation, physicochemical variation, residue mobility, and thermodynamic stability) has been performed at Invitae for this missense variant, however the output from this modeling did not meet the statistical confidence thresholds required to predict the impact of this variant on TRPM1 protein function. In summary, the available evidence is currently insufficient to determine the role of this variant in disease. Therefore, it has been classified as a Variant of Uncertain Significance.

Blueprint Genetics
Classification: Uncertain significance. Last evaluated: 2022-01-31. Review status: criteria provided, single submitter. Criteria: ACMG Guidelines, 2015. Collection method: clinical testing. Allele origin: germline.

Breakthrough Genomics
Classification: Uncertain significance. Review status: criteria provided, single submitter. Criteria: ACMG Guidelines, 2015. Collection method: not provided. Allele origin: germline. Inheritance: Unknown mechanism. Affected: yes.

NM_001252024.2(TRPM1):c.586G>A (p.Val196Met)

Gene: TRPM1 (transient receptor potential cation channel subfamily M member 1; minus strand). Cytogenetic location: 15q13.3.
Variant type: single nucleotide variant.
Coding change: c.586G>A on transcript NM_001252024.2 (MANE Select); coding-DNA position 586, G replaced by A.
Protein change: p.Val196Met; replaces valine 196 with methionine.
Molecular consequence: missense variant.
Genome position (GRCh38, 1-based): chr15:31,067,095, C>T on the plus strand (G>A on the coding strand, the complement: TRPM1 is on the minus strand). VCF-style: chr15-31067095-C-T. GRCh37 (hg19) VCF-style: chr15-31359298-C-T.
Other names: c.520G>A (NM_002420.5); c.637G>A, p.Val213Met (NM_001252020.2); c.520G>A, p.Val174Met (NM_002420.6); c.637G>A (NM_001252020.1); short protein forms V174M, V196M, V213M.
Identifiers: ClinVar variation 1056305 (VCV001056305.14), dbSNP rs534221059, ClinGen allele CA7452904.